The following is an entry in ClinVar:

NM_000276.4(OCRL):c.1725A>C (p.Glu575Asp)

Gene: OCRL (OCRL inositol polyphosphate-5-phosphatase; plus strand). Cytogenetic location: Xq26.1.
Variant type: single nucleotide variant.
Coding change: c.1725A>C on transcript NM_000276.4 (MANE Select); coding-DNA position 1725, A replaced by C.
Protein change: p.Glu575Asp; replaces glutamic acid 575 with aspartic acid.
Molecular consequence: missense variant.
Genome position (GRCh38, 1-based): chrX:129,575,908, A>C. VCF-style: chrX-129575908-A-C. GRCh37 (hg19) VCF-style: chrX-128709885-A-C.
Other names: c.1728A>C, p.Glu576Asp (NM_001318784.2); c.1725A>C, p.Glu575Asp (NM_001587.4); short protein forms E575D, E576D.
Identifiers: ClinVar variation 4763417 (VCV004763417.1).

ClinVar aggregate classification (germline): Uncertain significance (1 of 4 stars; one submission).

Conditions:
Lowe syndrome (OCRL). Also called: LOWE OCULOCEREBRORENAL SYNDROME; PHOSPHATIDYLINOSITOL 4,5-BISPHOSPHATE 5-PHOSPHATASE DEFICIENCY; Oculocerebrorenal Syndrome. Identifiers: Orphanet 534, MedGen C0028860, MONDO:0010645, OMIM 309000.

Submission:

Labcorp Genetics (formerly Invitae), Labcorp
Classification: Uncertain significance for Lowe syndrome. Last evaluated: 2025-10-11. Review status: criteria provided, single submitter. Criteria: Invitae Variant Classification Sherloc (09022015). Collection method: clinical testing. Allele origin: germline.
Comment: This sequence change replaces glutamic acid, which is acidic and polar, with aspartic acid, which is acidic and polar, at codon 575 of the OCRL protein (p.Glu575Asp). This variant is not present in population databases (gnomAD no frequency). This variant has not been reported in the literature in individuals affected with OCRL-related conditions. Invitae Evidence Modeling of protein sequence and biophysical properties (such as structural, functional, and spatial information, amino acid conservation, physicochemical variation, residue mobility, and thermodynamic stability) indicates that this missense variant is not expected to disrupt OCRL protein function with a negative predictive value of 80%. In summary, the available evidence is currently insufficient to determine the role of this variant in disease. Therefore, it has been classified as a Variant of Uncertain Significance.